The following is an entry in ClinVar:

NM_004972.4(JAK2):c.2838A>T (p.Glu946Asp)

Genes: INSL6 (insulin like 6; minus strand), JAK2 (Janus kinase 2; plus strand). Cytogenetic location: 9p24.1.
Variant type: single nucleotide variant.
Coding change: c.2838A>T on transcript NM_004972.4 (MANE Select); coding-DNA position 2838, A replaced by T.
Protein change: p.Glu946Asp; replaces glutamic acid 946 with aspartic acid.
Molecular consequence: missense variant. On other transcripts: non-coding transcript variant (2).
Genome position (GRCh38, 1-based): chr9:5,090,522, A>T. VCF-style: chr9-5090522-A-T. GRCh37 (hg19) VCF-style: chr9-5090522-A-T.
Other names: c.2838A>T, p.Glu946Asp (NM_001322194.2, NM_001322195.2, NM_001322196.2); c.1623A>T, p.Glu541Asp (NM_001322198.2, NM_001322199.2); c.2391A>T, p.Glu797Asp (NM_001322204.2); short protein forms E541D, E797D, E946D.
Identifiers: ClinVar variation 4738329 (VCV004738329.1).

ClinVar aggregate classification (germline): Uncertain significance (1 of 4 stars; one submission).

Submission:

Labcorp Genetics (formerly Invitae), Labcorp
Classification: Uncertain significance. Last evaluated: 2026-01-09. Review status: criteria provided, single submitter. Criteria: Invitae Variant Classification Sherloc (09022015). Collection method: clinical testing. Allele origin: germline.
Comment: This sequence change replaces glutamic acid, which is acidic and polar, with aspartic acid, which is acidic and polar, at codon 946 of the JAK2 protein (p.Glu946Asp). This variant is not present in population databases (gnomAD no frequency). This variant has not been reported in the literature in individuals affected with JAK2-related conditions. Invitae Evidence Modeling of protein sequence and biophysical properties (such as structural, functional, and spatial information, amino acid conservation, physicochemical variation, residue mobility, and thermodynamic stability) indicates that this missense variant is not expected to disrupt JAK2 protein function with a negative predictive value of 80%. In summary, the available evidence is currently insufficient to determine the role of this variant in disease. Therefore, it has been classified as a Variant of Uncertain Significance.